The following is an entry in ClinVar:

NM_032888.4(COL27A1):c.5517C>A (p.Asp1839Glu)

Gene: COL27A1 (collagen type XXVII alpha 1 chain; plus strand). Cytogenetic location: 9q32.
Variant type: single nucleotide variant.
Coding change: c.5517C>A on transcript NM_032888.4 (MANE Select); coding-DNA position 5517, C replaced by A.
Protein change: p.Asp1839Glu; replaces aspartic acid 1839 with glutamic acid.
Molecular consequence: missense variant.
Genome position (GRCh38, 1-based): chr9:114,310,629, C>A. VCF-style: chr9-114310629-C-A. GRCh37 (hg19) VCF-style: chr9-117072909-C-A.
Other names: c.5517C>A (NM_032888.2); short protein forms D1839E.
Identifiers: ClinVar variation 2178280 (VCV002178280.2), dbSNP rs144613533, ClinGen allele CA5203437.
Genomic context (GRCh38, chr9:114,310,629, plus strand): 5'-TCAGACACTCTTCACCTTCCGGACCCAAGACCCCCAACAGCTGCCCATCATCAGTGTGGA[C>A]AACCTCCCTCCTGCCTCATCAGGGAAGCAGTACCGCCTGGAAGTTGGACCTGCGTGCTTC-3'
Protein context (NP_116277.2, residues 1829-1849): DPQQLPIISV[Asp1839Glu]NLPPASSGKQ

ClinVar aggregate classification (germline): Uncertain significance. Review status: criteria provided, multiple submitters, no conflicts (2 of 4 stars). 2 submissions from 2 submitters: Uncertain significance (2). Last evaluated 2022-02-08.

Conditions:
Inborn genetic diseases. Identifiers: MedGen C0950123, MeSH D030342.

gnomAD v4.1: 22 of 1,614,086 alleles (0.0014%); highest among the groups gnomAD compares: Non-Finnish European, 0.0018%; no homozygotes.

Submissions (2):

Labcorp Genetics (formerly Invitae), Labcorp
Classification: Uncertain significance. Last evaluated: 2022-02-08. Review status: criteria provided, single submitter. Criteria: Invitae Variant Classification Sherloc (09022015). Collection method: clinical testing. Allele origin: germline.
Comment: This sequence change replaces aspartic acid, which is acidic and polar, with glutamic acid, which is acidic and polar, at codon 1839 of the COL27A1 protein (p.Asp1839Glu). The frequency data for this variant in the population databases is considered unreliable, as metrics indicate poor data quality at this position in the gnomAD database. This variant has not been reported in the literature in individuals affected with COL27A1-related conditions. Advanced modeling of protein sequence and biophysical properties (such as structural, functional, and spatial information, amino acid conservation, physicochemical variation, residue mobility, and thermodynamic stability) performed at Invitae indicates that this missense variant is not expected to disrupt COL27A1 protein function. In summary, the available evidence is currently insufficient to determine the role of this variant in disease. Therefore, it has been classified as a Variant of Uncertain Significance.

Ambry Genetics
Classification: Uncertain significance for Inborn genetic diseases. Last evaluated: 2021-08-13. Review status: criteria provided, single submitter. Criteria: Ambry Variant Classification Scheme 2023. Collection method: clinical testing. Allele origin: germline.